The following is an entry in ClinVar:

ClinVar aggregate classification (germline): Likely pathogenic. Review status: criteria provided, multiple submitters, no conflicts (2 of 4 stars). 3 submissions from 3 submitters: Likely pathogenic (2). 1 of the submissions does not count toward it. Last evaluated 2024-08-14.

Conditions:
Autosomal recessive congenital ichthyosis 3 (ARCI3). Also called: ICHTHYOSIS, LAMELLAR, 5. Identifiers: MedGen C3539888, MONDO:0011680, OMIM 606545.
Autosomal recessive congenital ichthyosis 2 (ARCI2). Identifiers: Orphanet 281122, Orphanet 79394, MedGen C3888093, MONDO:0009439, OMIM 242100.
Lamellar ichthyosis. Identifiers: Orphanet 313, MedGen C5848247, MONDO:0017778.

Allele frequency attached by ClinVar (database versions not stated): gnomAD exomes below 0.00001; TOPMed 0.00004.
gnomAD v4.1: 3 of 1,614,106 alleles (0.00019%); highest among the groups gnomAD compares: East Asian, 0.0022%; no homozygotes.

Submissions (3):

Women's Health and Genetics/Laboratory Corporation of America, LabCorp
Classification: Likely pathogenic for Lamellar ichthyosis. Last evaluated: 2024-08-14. Review status: criteria provided, single submitter. Criteria: LabCorp Variant Classification Summary - May 2015. Collection method: clinical testing. Allele origin: germline.
Comment: Variant summary: ALOXE3 c.1208A>G (p.His403Arg) results in a non-conservative amino acid change located in the Lipoxygenase, C-terminal domain (IPR013819) of the encoded protein sequence. Five of five in-silico tools predict a damaging effect of the variant on protein function. The variant allele was found at a frequency of 4e-06 in 251200 control chromosomes. c.1208A>G has been reported in the literature in two homozygous individuals affected with Lamellar Ichthyosis (Youssefian_2019, Hotz_2021). These data indicate that the variant is likely to be associated with disease. To our knowledge, no experimental evidence demonstrating an impact on protein function has been reported. The following publications have been ascertained in the context of this evaluation (PMID: 33435499, 30578701). ClinVar contains an entry for this variant (Variation ID: 633812). Based on the evidence outlined above, the variant was classified as likely pathogenic.

Uitto Lab, Thomas Jefferson University
Classification: Likely pathogenic for Ichthyosiform Erythroderma, Congenital, Nonbullous, 1. Last evaluated: 2018-06-08. Review status: criteria provided, single submitter. Criteria: ACMG Guidelines, 2015. Collection method: clinical testing. Allele origin: germline. Affected: yes. Study: Rare heritable connective tissue and skin disorders in Iranian cohort.

Institute for Human Genetics, University Medical Center Freiburg
Classification: Pathogenic for Autosomal recessive congenital ichthyosis 3. Last evaluated: 2021-01-07. Review status: no assertion criteria provided. Collection method: clinical testing. Allele origin: unknown. Affected: yes. Not counted in ClinVar's aggregate classification.

Literature cited by the submitters: PubMed 30578701 (cited by Women's Health and Genetics/Laboratory Corporation of America, LabCorp and Institute for Human Genetics, University Medical Center Freiburg); PubMed 33435499 (cited by Women's Health and Genetics/Laboratory Corporation of America, LabCorp).

NM_021628.3(ALOXE3):c.1208A>G (p.His403Arg)

Genes: ALOXE3 (arachidonate epidermal lipoxygenase 3; minus strand), LOC130060198 (ATAC-STARR-seq lymphoblastoid silent region 8151; plus strand). Cytogenetic location: 17p13.1.
Variant type: single nucleotide variant.
Coding change: c.1208A>G on transcript NM_021628.3 (MANE Select); coding-DNA position 1208, A replaced by G.
Protein change: p.His403Arg; replaces histidine 403 with arginine.
Molecular consequence: missense variant.
Genome position (GRCh38, 1-based): chr17:8,110,189, T>C on the plus strand (A>G on the coding strand, the complement: ALOXE3 is on the minus strand). VCF-style: chr17-8110189-T-C. GRCh37 (hg19) VCF-style: chr17-8013507-T-C.
Other names: c.1604A>G, p.His535Arg (NM_001165960.1); c.1205A>G, p.His402Arg (NM_001369446.1); short protein forms H403R, H535R, H402R.
Identifiers: ClinVar variation 633812 (VCV000633812.4), dbSNP rs1296095311, ClinGen allele CA397973526.